The following is an entry in ClinVar:

ClinVar aggregate classification (germline): Uncertain significance. Review status: criteria provided, multiple submitters, no conflicts (2 of 4 stars). 5 submissions from 5 submitters: Uncertain significance (4). 1 of the submissions does not count toward it. Last evaluated 2024-02-28.

Conditions:
WASHC4-related disorder. Also called: WASHC4-related condition.

Allele frequency attached by ClinVar (database versions not stated): TOPMed 0.00027; gnomAD 0.00028 and 0.00030; gnomAD exomes 0.00032; ExAC 0.00036; 1000 Genomes Project 30x 0.00047; 1000 Genomes Project 0.00060.
gnomAD v4.1: 387 of 1,612,546 alleles (0.024%); highest among the groups gnomAD compares: East Asian, 0.34%; no homozygotes.

Submissions (5):

Ambry Genetics
Classification: Uncertain significance. Last evaluated: 2024-02-28. Review status: criteria provided, single submitter. Criteria: Ambry Variant Classification Scheme 2023. Collection method: clinical testing. Allele origin: germline.

GeneDx
Classification: Uncertain significance. Last evaluated: 2023-10-13. Review status: criteria provided, single submitter. Criteria: GeneDx Variant Classification Process June 2021. Collection method: clinical testing. Allele origin: germline. Affected: yes.
Comment: In silico analysis supports that this missense variant does not alter protein structure/function; Has not been previously published as pathogenic or benign to our knowledge

Women's Health and Genetics/Laboratory Corporation of America, LabCorp
Classification: Uncertain significance. Last evaluated: 2020-09-21. Review status: criteria provided, single submitter. Criteria: LabCorp Variant Classification Summary - May 2015. Collection method: clinical testing. Allele origin: germline.
Comment: Variant summary: KIAA1033 c.2159A>G (p.Asn720Ser) results in a conservative amino acid change located in the WASH complex subunit 7, central domain (IPR028282) of the encoded protein sequence. Four of five in-silico tools predict a benign effect of the variant on protein function. The variant allele was found at a frequency of 0.00031 in 279898 control chromosomes. To our knowledge, no occurrence of c.2159A>G in individuals affected with Mental Retardation, Autosomal Recessive 43 and no experimental evidence demonstrating its impact on protein function have been reported. One clinical diagnostic laboratory has submitted clinical-significance assessments for this variant to ClinVar after 2014 without evidence for independent evaluation, citing the variant as uncertain significance. Based on the evidence outlined above, the variant was classified as uncertain significance.

Genetic Services Laboratory, University of Chicago
Classification: Uncertain significance. Last evaluated: 2015-11-05. Review status: criteria provided, single submitter. Criteria: ACMG Guidelines, 2015. Collection method: clinical testing. Allele origin: germline. Affected: no.

PreventionGenetics, part of Exact Sciences
Classification: Likely benign for WASHC4-related condition. Last evaluated: 2022-08-19. Review status: no assertion criteria provided. Collection method: clinical testing. Allele origin: germline. Not counted in ClinVar's aggregate classification.
Comment: This variant is classified as likely benign based on ACMG/AMP sequence variant interpretation guidelines (Richards et al. 2015 PMID: 25741868, with internal and published modifications).

NM_015275.3(WASHC4):c.2159A>G (p.Asn720Ser)

Gene: WASHC4 (WASH complex subunit 4; plus strand). Cytogenetic location: 12q23.3.
Variant type: single nucleotide variant.
Coding change: c.2159A>G on transcript NM_015275.3 (MANE Select); coding-DNA position 2159, A replaced by G.
Protein change: p.Asn720Ser; replaces asparagine 720 with serine.
Molecular consequence: missense variant.
Genome position (GRCh38, 1-based): chr12:105,144,435, A>G. VCF-style: chr12-105144435-A-G. GRCh37 (hg19) VCF-style: chr12-105538213-A-G.
Other names: c.2162A>G, p.Asn721Ser (NM_001293640.2); c.2159A>G (NM_015275.1); short protein forms N720S, N721S.
Identifiers: ClinVar variation 435588 (VCV000435588.11), dbSNP rs113419458, ClinGen allele CA6758813.